The following is an entry in ClinVar:

NM_000059.4(BRCA2):c.2864A>G (p.Asn955Ser)

Gene: BRCA2 (BRCA2 DNA repair associated; plus strand). Cytogenetic location: 13q13.1.
Variant type: single nucleotide variant.
Coding change: c.2864A>G on transcript NM_000059.4 (MANE Select); coding-DNA position 2864, A replaced by G.
Protein change: p.Asn955Ser; replaces asparagine 955 with serine.
Molecular consequence: missense variant.
Genome position (GRCh38, 1-based): chr13:32,337,219, A>G. VCF-style: chr13-32337219-A-G. GRCh37 (hg19) VCF-style: chr13-32911356-A-G.
Other names: short protein forms N955S.
Identifiers: ClinVar variation 409501 (VCV000409501.10), dbSNP rs1060502435, ClinGen allele CA16613941.

ClinVar aggregate classification (germline): Conflicting classifications of pathogenicity. Review status: criteria provided, conflicting classifications (1 of 4 stars). 2 submissions from 2 submitters: Uncertain significance (1); Likely benign (1). Last evaluated 2023-03-23.

Conditions:
Hereditary breast ovarian cancer syndrome. Also called: Hereditary breast and ovarian cancer; Hereditary breast and/or ovarian cancer syndrome; BRCA1- and BRCA2-Associated Hereditary Breast and Ovarian Cancer; Hereditary breast and ovarian cancer syndrome; Hereditary breast and ovarian cancer syndrome (HBOC); Breast and ovarian cancer. Identifiers: Orphanet 145, MedGen C0677776, MeSH D061325, MONDO:0003582. Disease mechanism: loss of function.
Hereditary cancer-predisposing syndrome. Also called: Tumor predisposition; Hereditary Cancer Syndrome; Hereditary neoplastic syndrome; Neoplastic Syndromes, Hereditary. Identifiers: Orphanet 140162, MedGen C0027672, MeSH D009386, MONDO:0015356.

Submissions (2):

University of Washington Department of Laboratory Medicine, University of Washington
Classification: Likely benign for Hereditary cancer-predisposing syndrome. Last evaluated: 2023-03-23. Review status: criteria provided, single submitter. Criteria: Dines et al. (Genet Med. 2020). Collection method: curation. Allele origin: germline.
Comment: Missense variant in a coldspot region where missense variants are very unlikely to be pathogenic (PMID:31911673).

BRCA2 exon 11 coldspot. Reclassification based on statistical prior probability.

Labcorp Genetics (formerly Invitae), Labcorp
Classification: Uncertain significance for Hereditary breast ovarian cancer syndrome. Last evaluated: 2022-02-18. Review status: criteria provided, single submitter. Criteria: Invitae Variant Classification Sherloc (09022015). Collection method: clinical testing. Allele origin: germline.
Comment: This sequence change replaces asparagine, which is neutral and polar, with serine, which is neutral and polar, at codon 955 of the BRCA2 protein (p.Asn955Ser). This variant is not present in population databases (gnomAD no frequency). This variant has not been reported in the literature in individuals affected with BRCA2-related conditions. ClinVar contains an entry for this variant (Variation ID: 409501). Advanced modeling of protein sequence and biophysical properties (such as structural, functional, and spatial information, amino acid conservation, physicochemical variation, residue mobility, and thermodynamic stability) performed at Invitae indicates that this missense variant is not expected to disrupt BRCA2 protein function. In summary, the available evidence is currently insufficient to determine the role of this variant in disease. Therefore, it has been classified as a Variant of Uncertain Significance.